The following is an entry in ClinVar:

NM_152383.5(DIS3L2):c.1372A>C (p.Met458Leu)

Gene: DIS3L2 (DIS3 like 3'-5' exoribonuclease 2; plus strand). Cytogenetic location: 2q37.1.
Variant type: single nucleotide variant.
Coding change: c.1372A>C on transcript NM_152383.5 (MANE Select); coding-DNA position 1372, A replaced by C.
Protein change: p.Met458Leu; replaces methionine 458 with leucine.
Molecular consequence: missense variant. On other transcripts: non-coding transcript variant (2).
Genome position (GRCh38, 1-based): chr2:232,249,293, A>C. VCF-style: chr2-232249293-A-C. GRCh37 (hg19) VCF-style: chr2-233114003-A-C.
Other names: c.1372A>C, p.Met458Leu (NM_001257281.2); short protein forms M458L.
Identifiers: ClinVar variation 1470061 (VCV001470061.8), dbSNP rs1355288992, ClinGen allele CA351155464.

ClinVar aggregate classification (germline): Uncertain significance (1 of 4 stars; one submission).

Conditions:
Perlman syndrome (PRLMNS). Identifiers: Orphanet 2849, MedGen C0796113, MONDO:0009965, OMIM 267000.

gnomAD v4.1: 2 of 1,614,138 alleles (0.00012%); highest among the groups gnomAD compares: Non-Finnish European, 0.00017%; no homozygotes.

Submission:

Labcorp Genetics (formerly Invitae), Labcorp
Classification: Uncertain significance for Perlman syndrome. Last evaluated: 2021-05-27. Review status: criteria provided, single submitter. Criteria: Invitae Variant Classification Sherloc (09022015). Collection method: clinical testing. Allele origin: germline.
Comment: This variant has not been reported in the literature in individuals with DIS3L2-related conditions. Algorithms developed to predict the effect of missense changes on protein structure and function (SIFT, PolyPhen-2, Align-GVGD) all suggest that this variant is likely to be tolerated, but these predictions have not been confirmed by published functional studies and their clinical significance is uncertain. In summary, the available evidence is currently insufficient to determine the role of this variant in disease. Therefore, it has been classified as a Variant of Uncertain Significance. This variant is not present in population databases (ExAC no frequency). This sequence change replaces methionine with leucine at codon 458 of the DIS3L2 protein (p.Met458Leu). The methionine residue is moderately conserved and there is a small physicochemical difference between methionine and leucine.